The following is an entry in ClinVar:

NM_000127.3(EXT1):c.1632+1dup

Gene: EXT1 (exostosin glycosyltransferase 1; minus strand). Cytogenetic location: 8q24.11.
Variant type: Duplication.
Coding change: c.1632+1dup on transcript NM_000127.3 (MANE Select); the canonical splice donor site of the intron after coding-DNA position 1632, one base duplicated (G; older notation c.1632+1dupG).
Molecular consequence: splice donor variant.
Genome position (GRCh38, 1-based): chr8:117,818,434, C duplicated on the plus strand (G on the coding strand, the reverse complement: EXT1 is on the minus strand); the first of 2 consecutive C bases (chr8:117,818,434-117,818,435); duplicating either gives the same sequence. VCF-style (leftmost placement, unchanged base first): chr8-117818433-A-AC. GRCh37 (hg19) VCF-style: chr8-118830672-A-AC.
Identifiers: ClinVar variation 971247 (VCV000971247.8), dbSNP rs1811862827, ClinGen allele CA1139660722.
Genomic context (GRCh38, chr8:117,818,433, plus strand): 5'-TGCCCCATGGAGAAACCAAGGCTCCACAGTGGTTCCACATATAGGTCCCCTTCGAGTCTT[A>AC]CCTTGCTCTCTCCTTCAATGACGACGACAGGCACAGCAGTGGCAGGCCAGCGGTGTTTGG-3'

ClinVar aggregate classification (germline): Pathogenic (1 of 4 stars; one submission).

Conditions:
Multiple congenital exostosis (EXT). Also called: Hereditary multiple osteochondromas; MULTIPLE CARTILAGINOUS EXOSTOSES; Multiple exostoses; Hereditary multiple exostoses; Hereditary multiple exostosis; Multiple osteochondromas. Identifiers: Orphanet 321, MedGen C0015306, MONDO:0005508, HP:0002762.

Submission:

Labcorp Genetics (formerly Invitae), Labcorp
Classification: Pathogenic for Multiple congenital exostosis. Last evaluated: 2019-09-20. Review status: criteria provided, single submitter. Criteria: Invitae Variant Classification Sherloc (09022015). Collection method: clinical testing. Allele origin: germline.
Comment: Loss-of-function variants in EXT1 are known to be pathogenic (PMID: 10679937, 11391482, 19810120). Algorithms developed to predict the effect of sequence changes on RNA splicing suggest that this variant may disrupt the consensus splice site, but this prediction has not been confirmed by published transcriptional studies. This variant has not been reported in the literature in individuals with EXT1-related conditions. This variant is not present in population databases (ExAC no frequency). This sequence change creates a premature translational stop signal (p.Val545Glyfs*21) in the EXT1 gene. It is expected to result in an absent or disrupted protein product. For these reasons, this variant has been classified as Pathogenic.

Literature cited by the submitters: PubMed 10679937; PubMed 11391482; PubMed 19810120.